The following is an entry in ClinVar:

NM_199242.3(UNC13D):c.1612C>T (p.Gln538Ter)

Gene: UNC13D (unc-13 homolog D; minus strand). Cytogenetic location: 17q25.1.
Variant type: single nucleotide variant.
Coding change: c.1612C>T on transcript NM_199242.3 (MANE Select); coding-DNA position 1612, C replaced by T.
Protein change: p.Gln538Ter; replaces glutamine 538 with a stop codon.
Molecular consequence: nonsense.
Genome position (GRCh38, 1-based): chr17:75,835,762, G>A on the plus strand (C>T on the coding strand, the complement: UNC13D is on the minus strand). VCF-style: chr17-75835762-G-A. GRCh37 (hg19) VCF-style: chr17-73831843-G-A.
Other names: short protein forms Q538*.
Identifiers: ClinVar variation 1687358 (VCV001687358.1), dbSNP rs1426054272, ClinGen allele CA401096537.

ClinVar aggregate classification (germline): Pathogenic (1 of 4 stars; one submission).

Conditions:
Familial hemophagocytic lymphohistiocytosis 3 (FHL3). Also called: UNC13D-Related Familial Hemophagocytic Lymphohistiocytosis (UNC13D-fHLH). Identifiers: Orphanet 540, MedGen C1837174, MONDO:0012146, OMIM 608898.

Allele frequency attached by ClinVar (database versions not stated): gnomAD 0.00001.

Submission:

3billion
Classification: Pathogenic for Familial hemophagocytic lymphohistiocytosis 3. Last evaluated: 2022-05-22. Review status: criteria provided, single submitter. Criteria: ACMG Guidelines, 2015. Collection method: clinical testing. Allele origin: germline. Affected: yes. Observed: 1 homozygote.
Comment: The variant is observed at an extremely low frequency in the gnomAD v2.1.1 dataset (total allele frequency: 0.003%). Stop-gained (nonsense): predicted to result in a loss or disruption of normal protein function through nonsense-mediated decay (NMD) or protein truncation. Multiple pathogenic variants are reported downstream of the variant. Therefore, this variant is classified as pathogenic according to the recommendation of ACMG/AMP guideline.